The following is an entry in ClinVar:

ClinVar aggregate classification (germline): Uncertain significance. Review status: criteria provided, multiple submitters, no conflicts (2 of 4 stars). 2 submissions from 2 submitters: Uncertain significance (2). Last evaluated 2023-05-14.

Conditions:
Frontotemporal dementia and/or amyotrophic lateral sclerosis 6 (FTDALS6). Also called: VCP-Related Amyotrophic Lateral Sclerosis; VCP-Related Amyotrophic Lateral Sclerosis/Frontotemporal Dementia. Identifiers: Orphanet 275872, Orphanet 803, MedGen C5436279, MONDO:0013501, OMIM 613954.
Inclusion body myopathy with Paget disease of bone and frontotemporal dementia. Also called: Inclusion body myopathy with early-onset Paget disease and frontotemporal dementia. Identifiers: Orphanet 52430, MedGen C1833662, MONDO:0000507.

Submissions (2):

Labcorp Genetics (formerly Invitae), Labcorp
Classification: Uncertain significance for Inclusion body myopathy with Paget disease of bone and frontotemporal dementia; Frontotemporal dementia and/or amyotrophic lateral sclerosis 6. Last evaluated: 2023-05-14. Review status: criteria provided, single submitter. Criteria: Invitae Variant Classification Sherloc (09022015). Collection method: clinical testing. Allele origin: germline.
Comment: In summary, the available evidence is currently insufficient to determine the role of this variant in disease. Therefore, it has been classified as a Variant of Uncertain Significance. Advanced modeling of protein sequence and biophysical properties (such as structural, functional, and spatial information, amino acid conservation, physicochemical variation, residue mobility, and thermodynamic stability) performed at Invitae indicates that this missense variant is not expected to disrupt VCP protein function. ClinVar contains an entry for this variant (Variation ID: 2438522). This variant has not been reported in the literature in individuals affected with VCP-related conditions. This variant is not present in population databases (gnomAD no frequency). This sequence change replaces isoleucine, which is neutral and non-polar, with threonine, which is neutral and polar, at codon 241 of the VCP protein (p.Ile241Thr).

Revvity Omics, Revvity
Classification: Uncertain significance. Last evaluated: 2022-11-15. Review status: criteria provided, single submitter. Criteria: ACMG Guidelines, 2015. Collection method: clinical testing. Allele origin: germline.

NM_007126.5(VCP):c.722T>C (p.Ile241Thr)

Gene: VCP (valosin containing protein; minus strand). Cytogenetic location: 9p13.3.
Variant type: single nucleotide variant.
Coding change: c.722T>C on transcript NM_007126.5 (MANE Select); coding-DNA position 722, T replaced by C.
Protein change: p.Ile241Thr; replaces isoleucine 241 with threonine.
Molecular consequence: missense variant.
Genome position (GRCh38, 1-based): chr9:35,063,067, A>G on the plus strand (T>C on the coding strand, the complement: VCP is on the minus strand). VCF-style: chr9-35063067-A-G. GRCh37 (hg19) VCF-style: chr9-35063064-A-G.
Other names: c.587T>C, p.Ile196Thr (NM_001354927.2, NM_001354928.2); short protein forms I196T, I241T.
Identifiers: ClinVar variation 2438522 (VCV002438522.6), dbSNP rs2490360380, ClinGen allele CA373286537.